The following is an entry in ClinVar:

ClinVar aggregate classification (germline): Uncertain significance. Review status: criteria provided, multiple submitters, no conflicts (2 of 4 stars). 2 submissions from 2 submitters: Uncertain significance (2). Last evaluated 2024-01-09.

Conditions:
Mitochondrial disease. Also called: Mitochondrial disorders; Mitochondrial disorder. Identifiers: Orphanet 68380, MedGen C0751651, MeSH D028361, MONDO:0044970.

Submissions (2):

Illumina Laboratory Services, Illumina
Classification: Uncertain significance for Mitochondrial disease. Last evaluated: 2024-01-09. Review status: criteria provided, single submitter. Criteria: ISL SNV Classification Criteria 03 February 2026. Collection method: clinical testing. Allele origin: unknown.
Comment: The NDUFV1 c.862G>A p.(Val288Met) missense variant has not, to our knowledge, been reported in the peer-reviewed literature. This variant is not observed in version 2.1.1 or version 4.0.0 of the Genome Aggregation Database. Based on the available evidence, the c.862G>A p.(Val288Met) variant is classified as a variant of uncertain significance for primary mitochondrial disease.

CeGaT Center for Human Genetics Tuebingen
Classification: Uncertain significance. Last evaluated: 2019-03-01. Review status: criteria provided, single submitter. Criteria: CeGaT Center For Human Genetics Tuebingen Variant Classification Criteria Version 2. Collection method: clinical testing. Allele origin: germline. Affected: yes. Observed: 3 variant alleles.

NM_007103.4(NDUFV1):c.862G>A (p.Val288Met)

Gene: NDUFV1 (NADH:ubiquinone oxidoreductase core subunit V1; plus strand). Cytogenetic location: 11q13.2.
Variant type: single nucleotide variant.
Coding change: c.862G>A on transcript NM_007103.4 (MANE Select); coding-DNA position 862, G replaced by A.
Protein change: p.Val288Met; replaces valine 288 with methionine.
Molecular consequence: missense variant.
Genome position (GRCh38, 1-based): chr11:67,611,156, G>A. VCF-style: chr11-67611156-G-A. GRCh37 (hg19) VCF-style: chr11-67378627-G-A.
Other names: c.835G>A, p.Val279Met (NM_001166102.2); short protein forms V279M, V288M.
Identifiers: ClinVar variation 806705 (VCV000806705.43), dbSNP rs1591111059, ClinGen allele CA381538789.
Genomic context (GRCh38, chr11:67,611,156, plus strand): 5'-GAACGCAACTCAGGCACCAAACTATTCAACATCTCTGGCCATGTCAACCACCCTTGCACT[G>A]TGGAGGAGGAGATGTCTGTGCCCTTGAAAGAACTGATTGAGAAGCATGCTGGTAAGGCCT-3'
Protein context (NP_009034.2, residues 278-298): ISGHVNHPCT[Val288Met]EEEMSVPLKE